The following is an entry in ClinVar:

ClinVar aggregate classification (germline): Benign/Likely benign. Review status: criteria provided, multiple submitters, no conflicts (2 of 4 stars). 5 submissions from 2 submitters: Benign (4); Likely benign (1). Last evaluated 2026-01-30.

Conditions:
Combined PSAP deficiency (PSAPD). Also called: COMBINED SAP DEFICIENCY; PROSAPOSIN DEFICIENCY; Encephalopathy due to prosaposin deficiency. Identifiers: Orphanet 139406, MedGen C2673635, MONDO:0012719, OMIM 611721.
Gaucher disease due to saposin C deficiency. Also called: Atypical Gaucher disease due to saposin C deficiency; Saposin C Deficiency. Identifiers: Orphanet 309252, Orphanet 355, MedGen C1864651, MONDO:0012517, OMIM 610539.
Krabbe disease due to saposin A deficiency. Also called: Saposin A Deficiency; KRABBE DISEASE, ATYPICAL, DUE TO SAPOSIN A DEFICIENCY. Identifiers: Orphanet 487, MedGen C2673266, MONDO:0012720, OMIM 611722.
Sphingolipid activator protein 1 deficiency. Also called: Saposin B Deficiency; METACHROMATIC LEUKODYSTROPHY DUE TO CEREBROSIDE SULFATASE ACTIVATOR DEFICIENCY; Metachromatic leukodystrophy due to saposin B deficiency. Identifiers: Orphanet 512, MedGen C0268262, MONDO:0009590, OMIM 249900.

Allele frequency attached by ClinVar (database versions not stated): gnomAD 0.00003 and 0.00065; TOPMed 0.00020; gnomAD exomes 0.00272; ExAC 0.00311; 1000 Genomes Project 0.00419; 1000 Genomes Project 30x 0.00422.
gnomAD v4.1: 2,038 of 1,614,138 alleles (0.13%); highest among the groups gnomAD compares: South Asian, 2.1%; 32 homozygotes.

Submissions (5):

Labcorp Genetics (formerly Invitae), Labcorp
Classification: Benign for Sphingolipid activator protein 1 deficiency. Last evaluated: 2026-01-30. Review status: criteria provided, single submitter. Criteria: Invitae Variant Classification Sherloc (09022015). Collection method: clinical testing. Allele origin: germline.

Illumina Laboratory Services, Illumina
Classification: Benign for Gaucher disease due to saposin C deficiency. Last evaluated: 2018-01-12. Review status: criteria provided, single submitter. Criteria: ICSL Variant Classification Criteria 13 December 2019. Collection method: clinical testing. Allele origin: germline.
Comment: This variant was observed in the ICSL laboratory as part of a predisposition screen in an ostensibly healthy population. It had not been previously curated by ICSL or reported in the Human Gene Mutation Database (HGMD: prior to June 1st, 2018), and was therefore a candidate for classification through an automated scoring system. Utilizing variant allele frequency, disease prevalence and penetrance estimates, and inheritance mode, an automated score was calculated to assess if this variant is too frequent to cause the disease. Based on the score and internal cut-off values, a variant classified as benign is not then subjected to further curation. The score for this variant resulted in a classification of benign for this disease.

Illumina Laboratory Services, Illumina
Classification: Likely benign for Sphingolipid activator protein 1 deficiency. Last evaluated: 2018-01-12. Review status: criteria provided, single submitter. Criteria: ICSL Variant Classification Criteria 13 December 2019. Collection method: clinical testing. Allele origin: germline.
Comment: This variant was observed in the ICSL laboratory as part of a predisposition screen in an ostensibly healthy population. It had not been previously curated by ICSL or reported in the Human Gene Mutation Database (HGMD: prior to June 1st, 2018), and was therefore a candidate for classification through an automated scoring system. Utilizing variant allele frequency, disease prevalence and penetrance estimates, and inheritance mode, an automated score was calculated to assess if this variant is too frequent to cause the disease. Based on the score and internal cut-off values, a variant classified as likely benign is not then subjected to further curation. The score for this variant resulted in a classification of likely benign for this disease.

Illumina Laboratory Services, Illumina
Classification: Benign for Combined PSAP deficiency. Last evaluated: 2018-01-12. Review status: criteria provided, single submitter. Criteria: ICSL Variant Classification Criteria 13 December 2019. Collection method: clinical testing. Allele origin: germline.
Comment: the same text as in the submission from Illumina Laboratory Services, Illumina above.

Illumina Laboratory Services, Illumina
Classification: Benign for Krabbe disease due to saposin A deficiency. Last evaluated: 2018-01-12. Review status: criteria provided, single submitter. Criteria: ICSL Variant Classification Criteria 13 December 2019. Collection method: clinical testing. Allele origin: germline.
Comment: the same text as in the submission from Illumina Laboratory Services, Illumina above.

NM_002778.4(PSAP):c.336C>T (p.Ser112=)

Gene: PSAP (prosaposin; minus strand). Cytogenetic location: 10q22.1.
Variant type: single nucleotide variant.
Coding change: c.336C>T on transcript NM_002778.4 (MANE Select); coding-DNA position 336, C replaced by T.
Protein change: p.Ser112=; no amino-acid change (serine 112 retained).
Molecular consequence: synonymous variant.
Genome position (GRCh38, 1-based): chr10:71,831,165, G>A on the plus strand (C>T on the coding strand, the complement: PSAP is on the minus strand). VCF-style: chr10-71831165-G-A. GRCh37 (hg19) VCF-style: chr10-73590922-G-A.
Other names: c.336C>T, p.Ser112= (NM_001042465.3, NM_001042466.3).
Identifiers: ClinVar variation 300527 (VCV000300527.15), dbSNP rs370977178, ClinGen allele CA5547800.
Genomic context (GRCh38, chr10:71,831,165, plus strand): 5'-AGCCTATTCCCCATCACTTACCATTTCTCCTTTAATGATGTCCAGGATGACAGGGAGGTA[G>A]GAGTCCACTATCTCCTTGCATGAAGCAGACATGTTCGGTTTCGGAAGCCAGTCACAGGTC-3'
Protein context (NP_002769.1, residues 102-122): MSASCKEIVD[Ser112=]YLPVILDIIK